The following is an entry in ClinVar:

ClinVar aggregate classification (germline): Uncertain significance (1 of 4 stars; one submission).

Allele frequency attached by ClinVar (database versions not stated): gnomAD exomes below 0.00001; ExAC 0.00001.
gnomAD v4.1: 4 of 1,210,668 alleles (0.00033%); highest among the groups gnomAD compares: Non-Finnish European, 0.00045%; no homozygotes.

Submission:

CeGaT Center for Human Genetics Tuebingen
Classification: Uncertain significance. Last evaluated: 2023-02-01. Review status: criteria provided, single submitter. Criteria: CeGaT Center For Human Genetics Tuebingen Variant Classification Criteria Version 2. Collection method: clinical testing. Allele origin: germline. Affected: yes. Observed: 1 variant allele.
Comment: MAP7D3: PM2:Supporting, BP4

NM_024597.4(MAP7D3):c.884T>G (p.Val295Gly)

Gene: MAP7D3 (MAP7 domain containing 3; minus strand). Cytogenetic location: Xq26.3.
Variant type: single nucleotide variant.
Coding change: c.884T>G on transcript NM_024597.4 (MANE Select); coding-DNA position 884, T replaced by G.
Protein change: p.Val295Gly; replaces valine 295 with glycine.
Molecular consequence: missense variant.
Genome position (GRCh38, 1-based): chrX:136,232,073, A>C on the plus strand (T>G on the coding strand, the complement: MAP7D3 is on the minus strand). VCF-style: chrX-136232073-A-C. GRCh37 (hg19) VCF-style: chrX-135314232-A-C.
Other names: c.830T>G, p.Val277Gly (NM_001173516.1); c.779T>G, p.Val260Gly (NM_001173517.2); short protein forms V260G, V277G, V295G.
Identifiers: ClinVar variation 2661504 (VCV002661504.24), dbSNP rs756751014, ClinGen allele CA10525615.